The following is an entry in ClinVar:

ClinVar aggregate classification (germline): Uncertain significance. Review status: criteria provided, single submitter (1 of 4 stars). 2 submissions from 2 submitters: Uncertain significance (1). 1 of the submissions does not count toward it. Last evaluated 2022-04-11.

Conditions:
BBS12-related disorder. Also called: BBS12-related condition.
Bardet-Biedl syndrome (BBS). Identifiers: Orphanet 110, MedGen C0752166, MONDO:0015229.

gnomAD v4.1: 7 of 1,613,910 alleles (0.00043%); highest among the groups gnomAD compares: African/African-American, 0.008%; no homozygotes.

Submissions (2):

Labcorp Genetics (formerly Invitae), Labcorp
Classification: Uncertain significance for Bardet-Biedl syndrome. Last evaluated: 2022-04-11. Review status: criteria provided, single submitter. Criteria: Invitae Variant Classification Sherloc (09022015). Collection method: clinical testing. Allele origin: germline.
Comment: This sequence change replaces alanine, which is neutral and non-polar, with serine, which is neutral and polar, at codon 4 of the BBS12 protein (p.Ala4Ser). This variant is not present in population databases (gnomAD no frequency). This variant has not been reported in the literature in individuals affected with BBS12-related conditions. Algorithms developed to predict the effect of missense changes on protein structure and function are either unavailable or do not agree on the potential impact of this missense change (SIFT: "Tolerated"; PolyPhen-2: "Possibly Damaging"; Align-GVGD: "Class C0"). In summary, the available evidence is currently insufficient to determine the role of this variant in disease. Therefore, it has been classified as a Variant of Uncertain Significance.

PreventionGenetics, part of Exact Sciences
Classification: Uncertain significance for BBS12-related condition. Last evaluated: 2024-09-24. Review status: no assertion criteria provided. Collection method: clinical testing. Allele origin: germline. Not counted in ClinVar's aggregate classification.
Comment: The BBS12 c.10G>T variant is predicted to result in the amino acid substitution p.Ala4Ser. To our knowledge, this variant has not been reported in the literature or in a large population database, indicating this variant is rare. At this time, the clinical significance of this variant is uncertain due to the absence of conclusive functional and genetic evidence.

NM_152618.3(BBS12):c.10G>T (p.Ala4Ser)

Gene: BBS12 (Bardet-Biedl syndrome 12; plus strand). Cytogenetic location: 4q27.
Variant type: single nucleotide variant.
Coding change: c.10G>T on transcript NM_152618.3 (MANE Select); coding-DNA position 10, G replaced by T.
Protein change: p.Ala4Ser; replaces alanine 4 with serine.
Molecular consequence: missense variant.
Genome position (GRCh38, 1-based): chr4:122,741,902, G>T. VCF-style: chr4-122741902-G-T. GRCh37 (hg19) VCF-style: chr4-123663057-G-T.
Other names: c.10G>T, p.Ala4Ser (NM_001178007.2); c.10G>T (NM_152618.2); short protein forms A4S.
Identifiers: ClinVar variation 2415157 (VCV002415157.4), dbSNP rs1011357528, ClinGen allele CA105249147.
Genomic context (GRCh38, chr4:122,741,902, plus strand): 5'-ATTATACTGAATAAAGTTACAAGTTTTTATTTTGTTTGCAGATCATGATACATGGTGATG[G>T]CTTGCAGAGTCGTAAACAAAAGAAGACACATGGGACTTCAACAACTTTCATCATTCGCGG-3'
Protein context (NP_689831.2, residues 1-14): MVM[Ala4Ser]CRVVNKRRHM